The following is an entry in ClinVar:

NM_206933.4(USH2A):c.2840G>A (p.Gly947Asp)

Genes: USH2A (usherin; minus strand), USH2A-AS1 (USH2A antisense RNA 1; plus strand). Cytogenetic location: 1q41.
Variant type: single nucleotide variant.
Coding change: c.2840G>A on transcript NM_206933.4 (MANE Select); coding-DNA position 2840, G replaced by A.
Protein change: p.Gly947Asp; replaces glycine 947 with aspartic acid.
Molecular consequence: missense variant.
Genome position (GRCh38, 1-based): chr1:216,232,106, C>T on the plus strand (G>A on the coding strand, the complement: USH2A is on the minus strand). VCF-style: chr1-216232106-C-T. GRCh37 (hg19) VCF-style: chr1-216405448-C-T.
Other names: c.2840G>A, p.Gly947Asp (NM_007123.6); c.2840G>A (NM_206933.2); short protein forms G947D.
Identifiers: ClinVar variation 2191826 (VCV002191826.2), dbSNP rs903508348, ClinGen allele CA37493913.

ClinVar aggregate classification (germline): Uncertain significance. Review status: criteria provided, multiple submitters, no conflicts (2 of 4 stars). 2 submissions from 2 submitters: Uncertain significance (2). Last evaluated 2026-04-06.

Allele frequency attached by ClinVar (database versions not stated): gnomAD exomes 0.00001; TOPMed 0.00001; gnomAD 0.00001.
gnomAD v4.1: 12 of 1,613,486 alleles (0.00074%); highest among the groups gnomAD compares: Non-Finnish European, 0.001%; no homozygotes.

Submissions (2):

GeneDx
Classification: Uncertain significance. Last evaluated: 2026-04-06. Review status: criteria provided, single submitter. Criteria: GeneDx Variant Classification Process June 2021. Collection method: clinical testing. Allele origin: germline.
Comment: Not observed at significant frequency in large population cohorts (gnomAD); In silico analysis supports that this missense variant has a deleterious effect on protein structure/function; Has not been previously published as pathogenic or benign to our knowledge

Labcorp Genetics (formerly Invitae), Labcorp
Classification: Uncertain significance. Last evaluated: 2022-08-23. Review status: criteria provided, single submitter. Criteria: Invitae Variant Classification Sherloc (09022015). Collection method: clinical testing. Allele origin: germline.
Comment: This sequence change replaces glycine, which is neutral and non-polar, with aspartic acid, which is acidic and polar, at codon 947 of the USH2A protein (p.Gly947Asp). This variant is not present in population databases (gnomAD no frequency). This variant has not been reported in the literature in individuals affected with USH2A-related conditions. Algorithms developed to predict the effect of missense changes on protein structure and function output the following: SIFT: "Deleterious"; PolyPhen-2: "Benign"; Align-GVGD: "Class C65". The aspartic acid amino acid residue is found in multiple mammalian species, which suggests that this missense change does not adversely affect protein function. In summary, the available evidence is currently insufficient to determine the role of this variant in disease. Therefore, it has been classified as a Variant of Uncertain Significance.